The following is an entry in ClinVar:

ClinVar aggregate classification (germline): Uncertain significance (1 of 4 stars; one submission).

Submission:

GeneDx
Classification: Uncertain significance. Last evaluated: 2026-03-16. Review status: criteria provided, single submitter. Criteria: GeneDx Variant Classification Process June 2021. Collection method: clinical testing. Allele origin: germline.
Comment: Not observed at significant frequency in large population cohorts (gnomAD); In-frame deletion of 1 amino acid(s) in a non-repeat region; In silico analysis supports a deleterious effect on protein structure/function; Has not been previously published as pathogenic or benign to our knowledge

NM_032217.5(ANKRD17):c.3659CTC[1] (p.Pro1221del)

Gene: ANKRD17 (ankyrin repeat domain 17; minus strand). Cytogenetic location: 4q13.3.
Variant type: Microsatellite.
Coding change: c.3659CTC[1] on transcript NM_032217.5 (MANE Select); one copy of the 3-base unit CTC starting at c.3659; the reference has two copies in a row; one copy, 3 bases deleted.
Protein change: p.Pro1221del; deletes proline 1221.
Molecular consequence: inframe deletion.
Genome position (GRCh38, 1-based): chr4:73,121,066-73,121,068, GAG deleted on the plus strand (CTC on the coding strand, the reverse complement: ANKRD17 is on the minus strand); deleting any 3 consecutive bases within chr4:73,121,066-73,121,071 gives the same sequence; the position shown is the placement nearest the transcript's 3' end. VCF-style (leftmost placement, unchanged base first): chr4-73121065-AGAG-A. GRCh37 (hg19) VCF-style: chr4-73986782-AGAG-A.
Other names: c.3320CTC[1], p.Pro1108del (NM_001286771.3); c.3656CTC[1], p.Pro1220del (NM_015574.2); c.2906CTC[1], p.Pro970del (NM_198889.3); short protein forms P1108del, P1220del, P1221del, P970del.
Identifiers: ClinVar variation 4074706 (VCV004074706.2).
Genomic context (GRCh38, chr4:73,121,065, plus strand): 5'-GAGCCCATGTCTAACAGGAGCTTAACAGCAGCTGTATGCCCATTCATAGCTGCTAACATC[AGAG>A]GAGAGATGCCCAATTTGCTACCAGTTCTAGGGGTGCAGGTATGGGGAAAACAAATGGAAA-3'